The following is an entry in ClinVar:

ClinVar aggregate classification (germline): Conflicting classifications of pathogenicity. Review status: criteria provided, conflicting classifications (1 of 4 stars). 3 submissions from 3 submitters: Uncertain significance (1); Likely benign (2). Last evaluated 2024-10-01.

Conditions:
ALG11-congenital disorder of glycosylation. Also called: CONGENITAL DISORDER OF GLYCOSYLATION, TYPE Ip; ALG11-CDG. Identifiers: Orphanet 280071, MedGen C3150913, MONDO:0013349, OMIM 613661.

Allele frequency attached by ClinVar (database versions not stated): 1000 Genomes Project 30x 0.00187; 1000 Genomes Project 0.00200; ExAC 0.00347; TOPMed 0.00391; gnomAD 0.00409 and 0.00421; ESP Exome Variant Server 0.00523.
gnomAD v4.1: 9,624 of 1,614,194 alleles (0.6%); highest among the groups gnomAD compares: Non-Finnish European, 0.75%; 34 homozygotes.

Submissions (3):

CeGaT Center for Human Genetics Tuebingen
Classification: Likely benign. Last evaluated: 2024-10-01. Review status: criteria provided, single submitter. Criteria: CeGaT Center For Human Genetics Tuebingen Variant Classification Criteria Version 2. Collection method: clinical testing. Allele origin: germline. Affected: yes. Observed: 4 variant alleles.
Comment: UTP14C: BP4, BS2

Illumina Laboratory Services, Illumina
Classification: Uncertain significance for ALG11-congenital disorder of glycosylation. Last evaluated: 2018-01-12. Review status: criteria provided, single submitter. Criteria: ICSL Variant Classification Criteria 13 December 2019. Collection method: clinical testing. Allele origin: germline.

Center for Pediatric Genomic Medicine, Children's Mercy Hospital and Clinics
Classification: Likely benign. Last evaluated: 2016-05-09. Review status: criteria provided, single submitter. Criteria: ACMG Guidelines, 2015. Collection method: clinical testing. Allele origin: germline.
ClinVar note: Converted during submission from Likely Benign to Likely benign.

NM_021645.6(UTP14C):c.508A>G (p.Ile170Val)

Genes: UTP14C (UTP14C small subunit processome component; plus strand), ALG11 (ALG11 alpha-1,2-mannosyltransferase; plus strand). Cytogenetic location: 13q14.3.
Variant type: single nucleotide variant.
Coding change: c.508A>G on transcript NM_021645.6 (MANE Select); coding-DNA position 508, A replaced by G.
Protein change: p.Ile170Val; replaces isoleucine 170 with valine.
Molecular consequence: missense variant. On other transcripts: 3 prime UTR variant (1), non-coding transcript variant (1).
Genome position (GRCh38, 1-based): chr13:52,029,312, A>G. VCF-style: chr13-52029312-A-G. GRCh37 (hg19) VCF-style: chr13-52603448-A-G.
Other names: c.*722A>G (NM_001004127.3); short protein forms I170V.
Identifiers: ClinVar variation 235513 (VCV000235513.31), dbSNP rs73184339, ClinGen allele CA6990187.